The following is an entry in ClinVar:

ClinVar aggregate classification (germline): Conflicting classifications of pathogenicity. Review status: criteria provided, conflicting classifications (1 of 4 stars). 3 submissions from 3 submitters: Uncertain significance (1); Likely benign (1). 1 of the submissions does not count toward it. Last evaluated 2018-01-13.

Conditions:
SLC37A4-related disorder. Also called: SLC37A4-related condition.
Glycogen storage disease, type I. Identifiers: Orphanet 364, MedGen C0017920, MONDO:0002413.

Allele frequency attached by ClinVar (database versions not stated): gnomAD 0.00077; 1000 Genomes Project 0.00100; TOPMed 0.00100; 1000 Genomes Project 30x 0.00172.

Submissions (3):

Illumina Laboratory Services, Illumina
Classification: Uncertain significance for Glycogen storage disease, type I. Last evaluated: 2018-01-13. Review status: criteria provided, single submitter. Criteria: ICSL Variant Classification Criteria 13 December 2019. Collection method: clinical testing. Allele origin: germline.

GeneDx
Classification: Likely benign. Last evaluated: 2017-09-18. Review status: criteria provided, single submitter. Criteria: GeneDx Variant Classification (06012015). Collection method: clinical testing. Allele origin: germline. Affected: yes.
Comment: This variant is considered likely benign or benign based on one or more of the following criteria: it is a conservative change, it occurs at a poorly conserved position in the protein, it is predicted to be benign by multiple in silico algorithms, and/or has population frequency not consistent with disease.

PreventionGenetics, part of Exact Sciences
Classification: Likely benign for SLC37A4-related condition. Last evaluated: 2021-05-03. Review status: no assertion criteria provided. Collection method: clinical testing. Allele origin: germline. Not counted in ClinVar's aggregate classification.
Comment: This variant is classified as likely benign based on ACMG/AMP sequence variant interpretation guidelines (Richards et al. 2015 PMID: 25741868, with internal and published modifications).

NM_001164277.2(SLC37A4):c.-700+9C>T

Gene: SLC37A4 (solute carrier family 37 member 4; minus strand). Cytogenetic location: 11q23.3.
Variant type: single nucleotide variant.
Coding change: c.-700+9C>T on transcript NM_001164277.2 (MANE Select); 9 bases into the intron after 700 bases upstream of the start codon, C replaced by T.
Molecular consequence: intron variant.
Genome position (GRCh38, 1-based): chr11:119,030,840, G>A on the plus strand (C>T on the coding strand, the complement: SLC37A4 is on the minus strand). VCF-style: chr11-119030840-G-A. GRCh37 (hg19) VCF-style: chr11-118901550-G-A.
Other names: c.-345+9C>T (NM_001164279.2); c.-196+9C>T (NM_001467.6); c.-384+9C>T (NM_001164278.2).
Identifiers: ClinVar variation 302721 (VCV000302721.7), dbSNP rs534659292, ClinGen allele CA10633614.